The following is an entry in ClinVar:

NM_006623.4(PHGDH):c.510+1G>T

Gene: PHGDH (phosphoglycerate dehydrogenase; plus strand). Cytogenetic location: 1p12.
Variant type: single nucleotide variant.
Coding change: c.510+1G>T on transcript NM_006623.4 (MANE Select); the canonical splice donor site of the intron after coding-DNA position 510, G replaced by T.
Molecular consequence: splice donor variant.
Genome position (GRCh38, 1-based): chr1:119,727,103, G>T. VCF-style: chr1-119727103-G-T. GRCh37 (hg19) VCF-style: chr1-120269726-G-T.
Identifiers: ClinVar variation 4723346 (VCV004723346.1).
Genomic context (GRCh38, chr1:119,727,103, plus strand): 5'-CTTGGCCTGGGCAGGATTGGGAGAGAGGTAGCTACCCGGATGCAGTCCTTTGGGATGAAG[G>T]TAAGATGTTGCTGGAACCCTGTGATGTGGGACTTTCTGCAGCAATTTTGGGAAAGGCAGC-3'

ClinVar aggregate classification (germline): Likely pathogenic (1 of 4 stars; one submission).

Conditions:
PHGDH deficiency. Identifiers: Orphanet 79351, MedGen C1866174, MONDO:0011152, OMIM 601815.

Submission:

Labcorp Genetics (formerly Invitae), Labcorp
Classification: Likely pathogenic for PHGDH deficiency. Last evaluated: 2025-11-19. Review status: criteria provided, single submitter. Criteria: Invitae Variant Classification Sherloc (09022015). Collection method: clinical testing. Allele origin: germline.
Comment: This sequence change affects a donor splice site in intron 5 of the PHGDH gene. It is expected to disrupt RNA splicing. Variants that disrupt the donor or acceptor splice site typically lead to a loss of protein function (PMID: 16199547), and loss-of-function variants in PHGDH are known to be pathogenic (PMID: 14645240, 24836451). This variant is not present in population databases (gnomAD no frequency). This variant has not been reported in the literature in individuals affected with PHGDH-related conditions. Algorithms developed to predict the effect of sequence changes on RNA splicing suggest that this variant may disrupt the consensus splice site. In summary, the currently available evidence indicates that the variant is pathogenic, but additional data are needed to prove that conclusively. Therefore, this variant has been classified as Likely Pathogenic.

Literature cited by the submitters: PubMed 16199547; PubMed 14645240; PubMed 24836451.